The following is an entry in ClinVar:

NM_001386140.1(MTTP):c.647C>T (p.Ser216Phe)

Gene: MTTP (microsomal triglyceride transfer protein; plus strand). Cytogenetic location: 4q23.
Variant type: single nucleotide variant.
Coding change: c.647C>T on transcript NM_001386140.1 (MANE Select); coding-DNA position 647, C replaced by T.
Protein change: p.Ser216Phe; replaces serine 216 with phenylalanine.
Molecular consequence: missense variant.
Genome position (GRCh38, 1-based): chr4:99,591,679, C>T. VCF-style: chr4-99591679-C-T. GRCh37 (hg19) VCF-style: chr4-100512836-C-T.
Other names: c.647C>T, p.Ser216Phe (NM_000253.4); c.398C>T, p.Ser133Phe (NM_001300785.2); short protein forms S133F, S216F.
Identifiers: ClinVar variation 1963023 (VCV001963023.2), dbSNP rs538381156, ClinGen allele CA3021911.

ClinVar aggregate classification (germline): Uncertain significance (1 of 4 stars; one submission).

Allele frequency attached by ClinVar (database versions not stated): TOPMed below 0.00001; gnomAD exomes 0.00001; ExAC 0.00002; gnomAD 0.00005; 1000 Genomes Project 0.00040; 1000 Genomes Project 30x 0.00047.
gnomAD v4.1: 14 of 1,612,878 alleles (0.00087%); highest among the groups gnomAD compares: Admixed American, 0.022%; no homozygotes.

Submission:

Labcorp Genetics (formerly Invitae), Labcorp
Classification: Uncertain significance. Last evaluated: 2022-04-22. Review status: criteria provided, single submitter. Criteria: Invitae Variant Classification Sherloc (09022015). Collection method: clinical testing. Allele origin: germline.
Comment: This sequence change replaces serine, which is neutral and polar, with phenylalanine, which is neutral and non-polar, at codon 216 of the MTTP protein (p.Ser216Phe). This variant is present in population databases (rs538381156, gnomAD 0.006%). This variant has not been reported in the literature in individuals affected with MTTP-related conditions. Algorithms developed to predict the effect of missense changes on protein structure and function are either unavailable or do not agree on the potential impact of this missense change (SIFT: "Deleterious"; PolyPhen-2: "Benign"; Align-GVGD: "Class C0"). In summary, the available evidence is currently insufficient to determine the role of this variant in disease. Therefore, it has been classified as a Variant of Uncertain Significance.